The following is an entry in ClinVar:

ClinVar aggregate classification (germline): Uncertain significance (0 of 4 stars; one submission).

Conditions:
ELP4-related disorder. Also called: ELP4-related condition.

Submission:

PreventionGenetics, part of Exact Sciences
Classification: Uncertain significance for ELP4-related condition. Last evaluated: 2024-09-17. Review status: no assertion criteria provided. Collection method: clinical testing. Allele origin: germline.
Comment: The ELP4 c.536G>T variant is predicted to result in the amino acid substitution p.Arg179Ile. To our knowledge, this variant has not been reported in the literature or in gnomAD, indicating this variant is rare. At this time, the clinical significance of this variant is uncertain due to the absence of conclusive functional and genetic evidence.

NM_019040.5(ELP4):c.536G>T (p.Arg179Ile)

Gene: ELP4 (elongator acetyltransferase complex subunit 4; plus strand). Cytogenetic location: 11p13.
Variant type: single nucleotide variant.
Coding change: c.536G>T on transcript NM_019040.5 (MANE Select); coding-DNA position 536, G replaced by T.
Protein change: p.Arg179Ile; replaces arginine 179 with isoleucine.
Molecular consequence: missense variant.
Genome position (GRCh38, 1-based): chr11:31,603,790, G>T. VCF-style: chr11-31603790-G-T. GRCh37 (hg19) VCF-style: chr11-31625337-G-T.
Other names: c.539G>T, p.Arg180Ile (NM_001288725.2); c.536G>T, p.Arg179Ile (NM_001288726.2); short protein forms R179I, R180I.
Identifiers: ClinVar variation 3347720 (VCV003347720.1).